The following is an entry in ClinVar:

NM_004006.3(DMD):c.8362G>T (p.Glu2788Ter)

Gene: DMD (dystrophin; minus strand). Cytogenetic location: Xp21.1.
Variant type: single nucleotide variant.
Coding change: c.8362G>T on transcript NM_004006.3 (MANE Select); coding-DNA position 8362, G replaced by T.
Protein change: p.Glu2788Ter; replaces glutamic acid 2788 with a stop codon.
Molecular consequence: nonsense.
Genome position (GRCh38, 1-based): chrX:31,507,309, C>A on the plus strand (G>T on the coding strand, the complement: DMD is on the minus strand). VCF-style: chrX-31507309-C-A. GRCh37 (hg19) VCF-style: chrX-31525426-C-A.
Other names: c.8338G>T, p.Glu2780Ter (NM_000109.4); c.8350G>T, p.Glu2784Ter (NM_004009.3); c.7993G>T, p.Glu2665Ter (NM_004010.3); c.4339G>T, p.Glu1447Ter (NM_004011.4); c.4330G>T, p.Glu1444Ter (NM_004012.4); c.982G>T, p.Glu328Ter (NM_004013.3, NM_004020.4, NM_004021.3 and 2 more transcripts); c.175G>T, p.Glu59Ter (NM_004014.3); short protein forms E1447*, E2780*, E2788*, E328*, E59*, E1444*, E2665*, E2784*.
Identifiers: ClinVar variation 817525 (VCV000817525.1), dbSNP rs1603280598, ClinGen allele CA412656125.

ClinVar aggregate classification (germline): Pathogenic (1 of 4 stars; one submission).

Submission:

GeneDx
Classification: Pathogenic. Last evaluated: 2019-01-23. Review status: criteria provided, single submitter. Criteria: GeneDx Variant Classification (06012015). Collection method: clinical testing. Allele origin: germline. Affected: yes.
Comment: The E2788X nonsense variant in the DMD gene is predicted to cause loss of normal protein function either through protein truncation or nonsense-mediated mRNA decay. The E2788X variant is not observed in large population cohorts (Lek et al., 2016). Although this pathogenic variant has not been reported previously to our knowledge, many other loss of function variants have been reported in association with dystrophinopathy (Stenson et al., 2014). Therefore, the E2788X variant is considered a pathogenic variant.